The following is an entry in ClinVar:

NM_000448.3(RAG1):c.3009G>T (p.Gln1003His)

Gene: RAG1 (recombination activating 1; plus strand). Cytogenetic location: 11p12.
Variant type: single nucleotide variant.
Coding change: c.3009G>T on transcript NM_000448.3 (MANE Select); coding-DNA position 3009, G replaced by T.
Protein change: p.Gln1003His; replaces glutamine 1003 with histidine.
Molecular consequence: missense variant.
Genome position (GRCh38, 1-based): chr11:36,576,313, G>T. VCF-style: chr11-36576313-G-T. GRCh37 (hg19) VCF-style: chr11-36597863-G-T.
Other names: c.3009G>T, p.Gln1003His (NM_001377277.1, NM_001377278.1, NM_001377279.1 and 1 more transcripts); short protein forms Q1003H.
Identifiers: ClinVar variation 1053678 (VCV001053678.9), dbSNP rs1850850782, ClinGen allele CA380136606.
Genomic context (GRCh38, chr11:36,576,313, plus strand): 5'-ATGCTATGAGATGGAAGATGTCCTGAAACACCACTGGTTGTACACCTCCAAATACCTCCA[G>T]AAGTTTATGAATGCTCATAATGCATTAAAAACCTCTGGGTTTACCATGAACCCTCAGGCA-3'
Protein context (NP_000439.2, residues 993-1013): HHWLYTSKYL[Gln1003His]KFMNAHNALK

ClinVar aggregate classification (germline): Uncertain significance (1 of 4 stars; one submission).

Conditions:
Severe combined immunodeficiency, autosomal recessive, T cell-negative, B cell-negative, NK cell-positive. Also called: SCID, T CELL-NEGATIVE, B CELL-NEGATIVE, NK CELL-POSITIVE; Severe combined immunodeficiency due to complete RAG1/2 deficiency; SCID, AR, T-cell negative, B-cell negative, NK cell-positive. Identifiers: Orphanet 331206, MedGen C1832322, MONDO:0011086, OMIM 601457.
Combined immunodeficiency with skin granulomas. Identifiers: Orphanet 157949, MedGen C2673536, MONDO:0009306, OMIM 233650.

Submission:

Labcorp Genetics (formerly Invitae), Labcorp
Classification: Uncertain significance for Combined immunodeficiency with skin granulomas; Severe combined immunodeficiency, autosomal recessive, T cell-negative, B cell-negative, NK cell-positive. Last evaluated: 2020-02-10. Review status: criteria provided, single submitter. Criteria: Invitae Variant Classification Sherloc (09022015). Collection method: clinical testing. Allele origin: germline.
Comment: This variant has not been reported in the literature in individuals with RAG1-related conditions. This variant is not present in population databases (ExAC no frequency). This sequence change replaces glutamine with histidine at codon 1003 of the RAG1 protein (p.Gln1003His). The glutamine residue is highly conserved and there is a small physicochemical difference between glutamine and histidine. In summary, the available evidence is currently insufficient to determine the role of this variant in disease. Therefore, it has been classified as a Variant of Uncertain Significance. Algorithms developed to predict the effect of missense changes on protein structure and function are either unavailable or do not agree on the potential impact of this missense change (SIFT: "Deleterious"; PolyPhen-2: "Probably Damaging"; Align-GVGD: "Class C0").